The following is an entry in ClinVar:

ClinVar aggregate classification (germline): Uncertain significance (1 of 4 stars; one submission).

Submission:

Mayo Clinic Laboratories, Mayo Clinic
Classification: Uncertain significance. Last evaluated: 2025-05-27. Review status: criteria provided, single submitter. Criteria: ACMG Guidelines, 2015. Collection method: clinical testing. Allele origin: germline. Observed: 1 variant allele.
Comment: BP4_moderate

NM_032387.5(WNK4):c.478A>G (p.Met160Val)

Gene: WNK4 (WNK lysine deficient protein kinase 4; plus strand). Cytogenetic location: 17q21.2.
Variant type: single nucleotide variant.
Coding change: c.478A>G on transcript NM_032387.5 (MANE Select); coding-DNA position 478, A replaced by G.
Protein change: p.Met160Val; replaces methionine 160 with valine.
Molecular consequence: missense variant. On other transcripts: 5 prime UTR variant (1).
Genome position (GRCh38, 1-based): chr17:42,781,176, A>G. VCF-style: chr17-42781176-A-G. GRCh37 (hg19) VCF-style: chr17-40933194-A-G.
Other names: p.Met160Val; c.-442A>G (NM_001321299.2); short protein forms M160V.
Identifiers: ClinVar variation 4542158 (VCV004542158.1).